The following is an entry in ClinVar:

NM_004304.5(ALK):c.956C>G (p.Ser319Cys)

Gene: ALK (ALK receptor tyrosine kinase; minus strand). Cytogenetic location: 2p23.2.
Variant type: single nucleotide variant.
Coding change: c.956C>G on transcript NM_004304.5 (MANE Select); coding-DNA position 956, C replaced by G.
Protein change: p.Ser319Cys; replaces serine 319 with cysteine.
Molecular consequence: missense variant.
Genome position (GRCh38, 1-based): chr2:29,532,113, G>C on the plus strand (C>G on the coding strand, the complement: ALK is on the minus strand). VCF-style: chr2-29532113-G-C. GRCh37 (hg19) VCF-style: chr2-29754979-G-C.
Other names: short protein forms S319C.
Identifiers: ClinVar variation 5035610 (VCV005035610.1).
Genomic context (GRCh38, chr2:29,532,113, plus strand): 5'-CTCATCCACGGACTCAGGATGGTGTGCTTGGAGTCAGCTGAGGTGTTGAGAAGGAGAAAG[G>C]AGCCTGGAAAGAGACAGGGAAAACGAATCTGCAGATGTGTTCAGGTAAGACCAGCAGTAG-3'
Protein context (NP_004295.2, residues 309-329): AERSKEMPRG[Ser319Cys]FLLLNTSADS

ClinVar aggregate classification (germline): Uncertain significance (1 of 4 stars; one submission).

Conditions:
Hereditary cancer-predisposing syndrome. Also called: Hereditary Cancer Syndrome; Neoplastic Syndromes, Hereditary; Tumor predisposition; Hereditary neoplastic syndrome. Identifiers: Orphanet 140162, MedGen C0027672, MeSH D009386, MONDO:0015356.

Submission:

Ambry Genetics
Classification: Uncertain significance for Hereditary cancer-predisposing syndrome. Last evaluated: 2026-08-27. Review status: criteria provided, single submitter. Criteria: Ambry Variant Classification Scheme 2023. Collection method: clinical testing. Allele origin: germline.
Comment: The p.S319C variant (also known as c.956C>G), located in coding exon 4 of the ALK gene, results from a C to G substitution at nucleotide position 956. The serine at codon 319 is replaced by cysteine, an amino acid with dissimilar properties. This amino acid position is well conserved in available vertebrate species. In addition, this alteration is predicted to be tolerated by in silico analysis. Based on the available evidence, the clinical significance of this variant remains unclear.